The following is an entry in ClinVar:

NM_001048174.2(MUTYH):c.1219C>G (p.His407Asp)

Gene: MUTYH (mutY DNA glycosylase; minus strand). Cytogenetic location: 1p34.1.
Variant type: single nucleotide variant.
Coding change: c.1219C>G on transcript NM_001048174.2 (MANE Select); coding-DNA position 1219, C replaced by G.
Protein change: p.His407Asp; replaces histidine 407 with aspartic acid.
Molecular consequence: missense variant. On other transcripts: non-coding transcript variant (7).
Genome position (GRCh38, 1-based): chr1:45,331,440, G>C on the plus strand (C>G on the coding strand, the complement: MUTYH is on the minus strand). VCF-style: chr1-45331440-G-C. GRCh37 (hg19) VCF-style: chr1-45797112-G-C.
Other names: c.943C>G, p.His315Asp (NM_001293192.2, NM_001293196.2, NM_001407091.1); c.1219C>G, p.His407Asp (NM_001293195.2, NM_001407070.1, NM_001407072.1 and 6 more transcripts); c.874C>G, p.His292Asp (NM_001350650.2, NM_001350651.2, NM_001407082.1); c.1252C>G, p.His418Asp (NM_001407069.1, NM_001293191.2, NM_001407077.1); c.1222C>G, p.His408Asp (NM_001407071.1, NM_001407086.1, NM_001048172.2 and 1 more transcripts); c.1240C>G, p.His414Asp (NM_001407087.1); c.1294C>G, p.His432Asp (NM_012222.3); c.1303C>G, p.His435Asp (NM_001128425.2); and 5 more; short protein forms H432D, H435D, H379D, H421D, H292D, H315D, H394D, H414D.
Identifiers: ClinVar variation 4113165 (VCV004113165.1).

ClinVar aggregate classification (germline): Uncertain significance (1 of 4 stars; one submission).

Conditions:
Hereditary cancer-predisposing syndrome. Also called: Tumor predisposition; Neoplastic Syndromes, Hereditary; Hereditary neoplastic syndrome; Hereditary Cancer Syndrome. Identifiers: Orphanet 140162, MedGen C0027672, MeSH D009386, MONDO:0015356.

Submission:

Ambry Genetics
Classification: Uncertain significance for Hereditary cancer-predisposing syndrome. Last evaluated: 2025-08-27. Review status: criteria provided, single submitter. Criteria: Ambry Variant Classification Scheme 2023. Collection method: clinical testing. Allele origin: germline.
Comment: The p.H435D variant (also known as c.1303C>G), located in coding exon 13 of the MUTYH gene, results from a C to G substitution at nucleotide position 1303. The histidine at codon 435 is replaced by aspartic acid, an amino acid with similar properties. This amino acid position is conserved. In addition, this alteration is predicted to be tolerated by in silico analysis. Based on the available evidence, the clinical significance of this variant remains unclear.